The following is an entry in ClinVar:

ClinVar aggregate classification (germline): Conflicting classifications of pathogenicity. Review status: criteria provided, conflicting classifications (1 of 4 stars). 5 submissions from 5 submitters: Uncertain significance (1); Likely benign (3). 1 of the submissions does not count toward it. Last evaluated 2025-12-08.

Conditions:
PEX1-related disorder. Also called: PEX1-related condition.
Zellweger spectrum disorders (ZS). Also called: Zellweger syndrome; Zellweger Spectrum Disorder (ZSD); Zellweger Spectrum Disorder; Zellweger Spectrum. Identifiers: Orphanet 912, MedGen C0043459, MONDO:0019609.

Allele frequency attached by ClinVar (database versions not stated): gnomAD exomes 0.00001 and 0.00002; ExAC 0.00002; gnomAD 0.00011 and 0.00013; TOPMed 0.00011; ESP Exome Variant Server 0.00023.
gnomAD v4.1: 38 of 1,601,118 alleles (0.0024%); highest among the groups gnomAD compares: African/African-American, 0.039%; 1 homozygote.

Submissions (5):

PreventionGenetics, part of Exact Sciences
Classification: Likely benign for PEX1-related condition. Last evaluated: 2025-12-08. Review status: criteria provided, single submitter. Criteria: ACMG Guidelines, 2015. Collection method: clinical testing. Allele origin: germline.
Comment: This variant is classified as likely benign based on ACMG/AMP sequence variant interpretation guidelines (Richards et al. 2015 PMID: 25741868, with internal and published modifications).

Labcorp Genetics (formerly Invitae), Labcorp
Classification: Likely benign for Zellweger spectrum disorders. Last evaluated: 2024-10-24. Review status: criteria provided, single submitter. Criteria: Invitae Variant Classification Sherloc (09022015). Collection method: clinical testing. Allele origin: germline.

Blueprint Genetics
Classification: Likely benign. Last evaluated: 2022-07-22. Review status: criteria provided, single submitter. Criteria: ACMG Guidelines, 2015. Collection method: clinical testing. Allele origin: germline.

Eurofins Ntd Llc (ga)
Classification: Uncertain significance. Last evaluated: 2016-10-26. Review status: criteria provided, single submitter. Criteria: EGL Classification Definitions 2015. Collection method: clinical testing. Allele origin: germline. Observed: 1 variant allele, 1 heterozygote.

Natera, Inc.
Classification: Uncertain significance for Zellweger syndrome. Last evaluated: 2018-06-13. Review status: no assertion criteria provided. Collection method: clinical testing. Allele origin: germline. Not counted in ClinVar's aggregate classification.

NM_000466.3(PEX1):c.1815A>G (p.Lys605=)

Gene: PEX1 (peroxisomal biogenesis factor 1; minus strand). Cytogenetic location: 7q21.2.
Variant type: single nucleotide variant.
Coding change: c.1815A>G on transcript NM_000466.3 (MANE Select); coding-DNA position 1815, A replaced by G.
Protein change: p.Lys605=; no amino-acid change (lysine 605 retained).
Molecular consequence: synonymous variant.
Genome position (GRCh38, 1-based): chr7:92,506,333, T>C on the plus strand (A>G on the coding strand, the complement: PEX1 is on the minus strand). VCF-style: chr7-92506333-T-C. GRCh37 (hg19) VCF-style: chr7-92135647-T-C.
Other names: c.1815A>G, p.Lys605= (NM_001282677.2); c.1191A>G, p.Lys397= (NM_001282678.2).
Identifiers: ClinVar variation 498171 (VCV000498171.18), dbSNP rs112688556, ClinGen allele CA4341282.